The following is an entry in ClinVar:

ClinVar aggregate classification (germline): Uncertain significance (1 of 4 stars; one submission).

Conditions:
Hyperekplexia 2 (HKPX2). Identifiers: Orphanet 3197, MedGen C3553291, MONDO:0013828, OMIM 614619.

Allele frequency attached by ClinVar (database versions not stated): gnomAD exomes below 0.00001; TOPMed below 0.00001; gnomAD 0.00001.

Submission:

Labcorp Genetics (formerly Invitae), Labcorp
Classification: Uncertain significance for Hyperekplexia 2. Last evaluated: 2022-11-28. Review status: criteria provided, single submitter. Criteria: Invitae Variant Classification Sherloc (09022015). Collection method: clinical testing. Allele origin: germline.
Comment: In summary, the available evidence is currently insufficient to determine the role of this variant in disease. Therefore, it has been classified as a Variant of Uncertain Significance. Advanced modeling of protein sequence and biophysical properties (such as structural, functional, and spatial information, amino acid conservation, physicochemical variation, residue mobility, and thermodynamic stability) performed at Invitae indicates that this missense variant is not expected to disrupt GLRB protein function. This variant has not been reported in the literature in individuals affected with GLRB-related conditions. This variant is present in population databases (no rsID available, gnomAD 0.007%). This sequence change replaces leucine, which is neutral and non-polar, with isoleucine, which is neutral and non-polar, at codon 432 of the GLRB protein (p.Leu432Ile).

NM_000824.5(GLRB):c.1294C>A (p.Leu432Ile)

Gene: GLRB (glycine receptor beta; plus strand). Cytogenetic location: 4q32.1.
Variant type: single nucleotide variant.
Coding change: c.1294C>A on transcript NM_000824.5 (MANE Select); coding-DNA position 1294, C replaced by A.
Protein change: p.Leu432Ile; replaces leucine 432 with isoleucine.
Molecular consequence: missense variant. On other transcripts: 3 prime UTR variant (1).
Genome position (GRCh38, 1-based): chr4:157,170,528, C>A. VCF-style: chr4-157170528-C-A. GRCh37 (hg19) VCF-style: chr4-158091680-C-A.
Other names: c.1294C>A, p.Leu432Ile (NM_001166060.2); c.*89C>A (NM_001166061.2); short protein forms L432I.
Identifiers: ClinVar variation 1980930 (VCV001980930.4), dbSNP rs1242994016, ClinGen allele CA358645077.